The following is an entry in ClinVar:

NM_030665.4(RAI1):c.5245G>A (p.Ala1749Thr)

Gene: RAI1 (retinoic acid induced 1; plus strand). Cytogenetic location: 17p11.2.
Variant type: single nucleotide variant.
Coding change: c.5245G>A on transcript NM_030665.4 (MANE Select); coding-DNA position 5245, G replaced by A.
Protein change: p.Ala1749Thr; replaces alanine 1749 with threonine.
Molecular consequence: missense variant.
Genome position (GRCh38, 1-based): chr17:17,798,193, G>A. VCF-style: chr17-17798193-G-A. GRCh37 (hg19) VCF-style: chr17-17701507-G-A.
Other names: c.5245G>A (NM_030665.3); short protein forms A1749T.
Identifiers: ClinVar variation 1600501 (VCV001600501.11), dbSNP rs767218908, ClinGen allele CA8419122.

ClinVar aggregate classification (germline): Benign/Likely benign. Review status: criteria provided, multiple submitters, no conflicts (2 of 4 stars). 4 submissions from 4 submitters: Benign (1); Likely benign (3). Last evaluated 2026-01-28.

Conditions:
RAI1-related disorder. Also called: RAI1-related condition.
Inborn genetic diseases. Identifiers: MedGen C0950123, MeSH D030342.

Allele frequency attached by ClinVar (database versions not stated): ExAC 0.00001; gnomAD exomes 0.00001; TOPMed 0.00002; gnomAD 0.00004.

Submissions (4):

PreventionGenetics, part of Exact Sciences
Classification: Likely benign for RAI1-related condition. Last evaluated: 2026-01-28. Review status: criteria provided, single submitter. Criteria: ACMG Guidelines, 2015. Collection method: clinical testing. Allele origin: germline.
Comment: This variant is classified as likely benign based on ACMG/AMP sequence variant interpretation guidelines (Richards et al. 2015 PMID: 25741868, with internal and published modifications).

Labcorp Genetics (formerly Invitae), Labcorp
Classification: Benign. Last evaluated: 2025-10-10. Review status: criteria provided, single submitter. Criteria: Invitae Variant Classification Sherloc (09022015). Collection method: clinical testing. Allele origin: germline.

Ambry Genetics
Classification: Likely benign for Inborn genetic diseases. Last evaluated: 2024-10-11. Review status: criteria provided, single submitter. Criteria: Ambry Variant Classification Scheme 2023. Collection method: clinical testing. Allele origin: germline.

Blueprint Genetics
Classification: Likely benign. Last evaluated: 2024-06-03. Review status: criteria provided, single submitter. Criteria: ACMG Guidelines, 2015. Collection method: clinical testing. Allele origin: germline.